The following is an entry in ClinVar:

ClinVar aggregate classification (germline): Pathogenic. Review status: criteria provided, single submitter (1 of 4 stars). 3 submissions from 3 submitters: Pathogenic (1). 2 of the submissions do not count toward it. Last evaluated 2025-06-20.

Conditions:
Spermatogenic failure 62 (SPGF62). Identifiers: MedGen C5562049, MONDO:0030508, OMIM 619673.

Allele frequency attached by ClinVar (database versions not stated): gnomAD exomes 0.00007 and 0.00017; ESP Exome Variant Server 0.00016; TOPMed 0.00012; ExAC 0.00003; gnomAD 0.00013.

Submissions (3):

First Genomix Gene Laboratory, Genetic Diagnostics Department
Classification: Pathogenic for Spermatogenic failure 62. Last evaluated: 2025-06-20. Review status: criteria provided, single submitter. Criteria: ACMG Guidelines, 2015. Collection method: clinical testing. Allele origin: germline. Inheritance: Autosomal recessive inheritance. Affected: no. Observed: 1 variant allele.

OMIM
Classification: Pathogenic for SPERMATOGENIC FAILURE 62 (1 family). Last evaluated: 2025-02-07. Review status: no assertion criteria provided. Collection method: literature only. Allele origin: germline. Not counted in ClinVar's aggregate classification.

Department of Pathology and Laboratory Medicine, Sinai Health System
Classification: Uncertain significance. Review status: no assertion criteria provided. Collection method: clinical testing. Allele origin: unknown. Affected: yes. Study: The Canadian Open Genetics Repository (COGR). Not counted in ClinVar's aggregate classification.

Literature cited by the submitters: PubMed 31125047 (cited by OMIM).

NM_001131034.4(RNF212):c.111dup (p.Lys38Ter)

Gene: RNF212 (ring finger protein 212; minus strand). Cytogenetic location: 4p16.3.
Variant type: Duplication.
Coding change: c.111dup on transcript NM_001131034.4 (MANE Select); coding-DNA position 111, one base duplicated (T; older notation c.111dupT).
Protein change: p.Lys38Ter; replaces lysine 38 with a stop codon.
Molecular consequence: nonsense. On other transcripts: non-coding transcript variant (4).
Genome position (GRCh38, 1-based): chr4:1,108,403, A duplicated on the plus strand (T on the coding strand, the reverse complement: RNF212 is on the minus strand). VCF-style (leftmost placement, unchanged base first): chr4-1108402-T-TA. GRCh37 (hg19) VCF-style: chr4-1102190-T-TA.
Other names: c.111dupT (NM_001131034.4); c.111dup, p.Lys38Ter (NM_001193318.3, NM_001366918.1, NM_001366919.1 and 1 more transcripts); short protein forms K38*.
Identifiers: ClinVar variation 1050640 (VCV001050640.4), dbSNP rs768155534, ClinGen allele CA2803593.